The following is an entry in ClinVar:

ClinVar aggregate classification (germline): Uncertain significance (1 of 4 stars; one submission).

Submission:

Labcorp Genetics (formerly Invitae), Labcorp
Classification: Uncertain significance. Last evaluated: 2025-01-06. Review status: criteria provided, single submitter. Criteria: Invitae Variant Classification Sherloc (09022015). Collection method: clinical testing. Allele origin: germline.
Comment: This sequence change replaces glutamic acid, which is acidic and polar, with lysine, which is basic and polar, at codon 140 of the GRM7 protein (p.Glu140Lys). This variant is not present in population databases (gnomAD no frequency). This variant has not been reported in the literature in individuals affected with GRM7-related conditions. ClinVar contains an entry for this variant (Variation ID: 2040598). An algorithm developed to predict the effect of missense changes on protein structure and function (PolyPhen-2) suggests that this variant is likely to be tolerated. In summary, the available evidence is currently insufficient to determine the role of this variant in disease. Therefore, it has been classified as a Variant of Uncertain Significance.

NM_000844.4(GRM7):c.418G>A (p.Glu140Lys)

Gene: GRM7 (glutamate metabotropic receptor 7; plus strand). Cytogenetic location: 3p26.1.
Variant type: single nucleotide variant.
Coding change: c.418G>A on transcript NM_000844.4 (MANE Select); coding-DNA position 418, G replaced by A.
Protein change: p.Glu140Lys; replaces glutamic acid 140 with lysine.
Molecular consequence: missense variant.
Genome position (GRCh38, 1-based): chr3:6,861,806, G>A. VCF-style: chr3-6861806-G-A. GRCh37 (hg19) VCF-style: chr3-6903493-G-A.
Other names: c.418G>A, p.Glu140Lys (NM_181874.3); short protein forms E140K.
Identifiers: ClinVar variation 2040598 (VCV002040598.4), dbSNP rs765027538, ClinGen allele CA351796910.